The following is an entry in ClinVar:

ClinVar aggregate classification (germline): Likely benign (1 of 4 stars; one submission).

Allele frequency attached by ClinVar (database versions not stated): 1000 Genomes Project 30x 0.00656; TOPMed 0.00783; 1000 Genomes Project 0.00679; gnomAD 0.00745 and 0.00692; gnomAD exomes 0.00142.

Submission:

GeneDx
Classification: Likely benign. Last evaluated: 2018-06-14. Review status: criteria provided, single submitter. Criteria: GeneDx Variant Classification (06012015). Collection method: clinical testing. Allele origin: germline. Affected: yes.
Comment: This variant is considered likely benign or benign based on one or more of the following criteria: it is a conservative change, it occurs at a poorly conserved position in the protein, it is predicted to be benign by multiple in silico algorithms, and/or has population frequency not consistent with disease.

NM_016098.3(MPC1):c.-457C>T

Genes: MPC1 (mitochondrial pyruvate carrier 1; minus strand), MPC1-DT (MPC1 divergent transcript; plus strand), LOC129997661 (ATAC-STARR-seq lymphoblastoid silent region 17777; plus strand). Cytogenetic location: 6q27.
Variant type: single nucleotide variant.
Coding change: c.-457C>T on transcript NM_016098.3; 457 bases upstream of the start codon, C replaced by T.
Molecular consequence: non-coding transcript variant (on NR_189630.1).
Genome position (GRCh38, 1-based): chr6:166,383,333, G>A on the plus strand (C>T on the coding strand, the complement: MPC1 is on the minus strand). VCF-style: chr6-166383333-G-A. GRCh37 (hg19) VCF-style: chr6-166796821-G-A.
Identifiers: ClinVar variation 673173 (VCV000673173.3), dbSNP rs572448017, ClinGen allele CA151888879.